The following is an entry in ClinVar:

ClinVar aggregate classification (germline): Uncertain significance (1 of 4 stars; one submission).

gnomAD v4.1: 1 of 1,614,102 alleles (0.000062%); no homozygotes.

Submission:

Labcorp Genetics (formerly Invitae), Labcorp
Classification: Uncertain significance. Last evaluated: 2022-09-07. Review status: criteria provided, single submitter. Criteria: Invitae Variant Classification Sherloc (09022015). Collection method: clinical testing. Allele origin: germline.
Comment: In summary, the available evidence is currently insufficient to determine the role of this variant in disease. Therefore, it has been classified as a Variant of Uncertain Significance. Variants that disrupt the consensus splice site are a relatively common cause of aberrant splicing (PMID: 17576681, 9536098). Algorithms developed to predict the effect of sequence changes on RNA splicing suggest that this variant may disrupt the consensus splice site. This variant has not been reported in the literature in individuals affected with LZTR1-related conditions. This variant is not present in population databases (gnomAD no frequency). This sequence change falls in intron 7 of the LZTR1 gene. It does not directly change the encoded amino acid sequence of the LZTR1 protein. It affects a nucleotide within the consensus splice site.

Literature cited by the submitters: PubMed 17576681; PubMed 9536098.

NM_006767.4(LZTR1):c.652-3C>G

Gene: LZTR1 (leucine zipper like post translational regulator 1; plus strand). Cytogenetic location: 22q11.21.
Variant type: single nucleotide variant.
Coding change: c.652-3C>G on transcript NM_006767.4 (MANE Select); 3 bases into the intron before coding-DNA position 652, C replaced by G.
Molecular consequence: intron variant.
Genome position (GRCh38, 1-based): chr22:20,990,383, C>G. VCF-style: chr22-20990383-C-G. GRCh37 (hg19) VCF-style: chr22-21344672-C-G.
Identifiers: ClinVar variation 2417386 (VCV002417386.6), dbSNP rs2518615637, ClinGen allele CA2580099199.